The following is an entry in ClinVar:

ClinVar aggregate classification (germline): Uncertain significance. Review status: criteria provided, multiple submitters, no conflicts (2 of 4 stars). 3 submissions from 3 submitters: Uncertain significance (3). Last evaluated 2024-11-07.

Conditions:
Renal cell carcinoma. Identifiers: Orphanet 217071, MedGen C0007134, MeSH D002292, MONDO:0005086, HP:0005584.
Autosomal recessive nonsyndromic hearing loss 97. Also called: Deafness, autosomal recessive 97. Identifiers: Orphanet 90636, MedGen C4084709, MONDO:0014739, OMIM 616705.
Hereditary cancer-predisposing syndrome. Also called: Tumor predisposition; Neoplastic Syndromes, Hereditary; Hereditary neoplastic syndrome; Hereditary Cancer Syndrome. Identifiers: Orphanet 140162, MedGen C0027672, MeSH D009386, MONDO:0015356.

Allele frequency attached by ClinVar (database versions not stated): TOPMed 0.00001.

Submissions (3):

Ambry Genetics
Classification: Uncertain significance for Hereditary cancer-predisposing syndrome. Last evaluated: 2024-11-07. Review status: criteria provided, single submitter. Criteria: Ambry Variant Classification Scheme 2023. Collection method: clinical testing. Allele origin: germline.
Comment: The p.I1200T variant (also known as c.3599T>C), located in coding exon 17 of the MET gene, results from a T to C substitution at nucleotide position 3599. The isoleucine at codon 1200 is replaced by threonine, an amino acid with similar properties. This amino acid position is well conserved in available vertebrate species. In addition, this alteration is predicted to be deleterious by in silico analysis. Based on the available evidence, the clinical significance of this variant remains unclear.

Baylor Genetics
Classification: Uncertain significance for Autosomal recessive nonsyndromic hearing loss 97. Last evaluated: 2024-03-22. Review status: criteria provided, single submitter. Criteria: ACMG Guidelines, 2015. Collection method: clinical testing. Allele origin: unknown.

Labcorp Genetics (formerly Invitae), Labcorp
Classification: Uncertain significance for Renal cell carcinoma. Last evaluated: 2023-09-23. Review status: criteria provided, single submitter. Criteria: Invitae Variant Classification Sherloc (09022015). Collection method: clinical testing. Allele origin: germline.
Comment: ClinVar contains an entry for this variant (Variation ID: 1515176). This variant has not been reported in the literature in individuals affected with MET-related conditions. This variant is not present in population databases (gnomAD no frequency). This sequence change replaces isoleucine, which is neutral and non-polar, with threonine, which is neutral and polar, at codon 1200 of the MET protein (p.Ile1200Thr). Advanced modeling of protein sequence and biophysical properties (such as structural, functional, and spatial information, amino acid conservation, physicochemical variation, residue mobility, and thermodynamic stability) performed at Invitae indicates that this missense variant is expected to disrupt MET protein function. In summary, the available evidence is currently insufficient to determine the role of this variant in disease. Therefore, it has been classified as a Variant of Uncertain Significance.

NM_000245.4(MET):c.3545T>C (p.Ile1182Thr)

Gene: MET (MET proto-oncogene, receptor tyrosine kinase; plus strand). Cytogenetic location: 7q31.2.
Variant type: single nucleotide variant.
Coding change: c.3545T>C on transcript NM_000245.4 (MANE Select); coding-DNA position 3545, T replaced by C.
Protein change: p.Ile1182Thr; replaces isoleucine 1182 with threonine.
Molecular consequence: missense variant.
Genome position (GRCh38, 1-based): chr7:116,782,010, T>C. VCF-style: chr7-116782010-T-C. GRCh37 (hg19) VCF-style: chr7-116422064-T-C.
Other names: c.3599T>C, p.Ile1200Thr (NM_001127500.3); c.2255T>C, p.Ile752Thr (NM_001324402.2); short protein forms I1182T, I752T, I1200T.
Identifiers: ClinVar variation 1515176 (VCV001515176.10), dbSNP rs1795171887, ClinGen allele CA368990924.
Genomic context (GRCh38, chr7:116,782,010, plus strand): 5'-TGCTTAGTTTATGCTTTTCTAACTCTCTTTGACTGCAGAATCCAACTGTAAAAGATCTTA[T>C]TGGCTTTGGTCTTCAAGTAGCCAAAGGCATGAAATATCTTGCAAGCAAAAAGTTTGTCCA-3'
Protein context (NP_000236.2, residues 1172-1192): ETHNPTVKDL[Ile1182Thr]GFGLQVAKGM